The following is an entry in ClinVar:

ClinVar aggregate classification (germline): Uncertain significance. Review status: criteria provided, multiple submitters, no conflicts (2 of 4 stars). 4 submissions from 4 submitters: Uncertain significance (3). 1 of the submissions does not count toward it. Last evaluated 2024-12-17.

Conditions:
Retinal dystrophy. Also called: Inherited retinal dystrophy. Identifiers: Orphanet 71862, MedGen C0854723, MeSH D058499, MONDO:0019118, HP:0000556.
Worth disease. Also called: ENDOSTEAL HYPEROSTOSIS, AUTOSOMAL DOMINANT; OSTEOSCLEROSIS, AUTOSOMAL DOMINANT; Autosomal dominant osteosclerosis, Worth type. Identifiers: Orphanet 2790, MedGen C0432273, MONDO:0007764, OMIM 144750.
Osteoporosis. Identifiers: MedGen C0029456, MONDO:0005298, OMIM 166710, HP:0000939.
Exudative vitreoretinopathy 1 (EVR1). Also called: FEVR, AUTOSOMAL DOMINANT; Familial exudative vitreoretinopathy, autosomal dominant; CRISWICK-SCHEPENS SYNDROME. Identifiers: Orphanet 891, Orphanet 90050, MedGen C1851402, MONDO:0007589, OMIM 133780.
Autosomal dominant osteopetrosis 1 (OPTA1). Also called: OSTEOPETROSIS, AUTOSOMAL DOMINANT, TYPE I. Identifiers: Orphanet 2783, MedGen C1843330, MONDO:0011877, OMIM 607634.
Osteoporosis with pseudoglioma (OPPG). Also called: osteoporosis-pseudoglioma syndrome. Identifiers: Orphanet 2788, MedGen C0432252, MONDO:0009820, OMIM 259770.
Bone mineral density quantitative trait locus 1 (BMND1). Identifiers: MedGen C1866079, OMIM 601884.
Exudative vitreoretinopathy 4 (EVR4). Identifiers: Orphanet 891, MedGen C1866176, MONDO:0011151, OMIM 601813.
Polycystic liver disease 4 with or without kidney cysts. Identifiers: MedGen C4693479, MONDO:0044327, OMIM 617875.

gnomAD v4.1: 21 of 1,613,366 alleles (0.0013%); highest among the groups gnomAD compares: East Asian, 0.0022%; no homozygotes.

Submissions (4):

Labcorp Genetics (formerly Invitae), Labcorp
Classification: Uncertain significance. Last evaluated: 2024-12-17. Review status: criteria provided, single submitter. Criteria: Invitae Variant Classification Sherloc (09022015). Collection method: clinical testing. Allele origin: germline.
Comment: This sequence change replaces proline, which is neutral and non-polar, with leucine, which is neutral and non-polar, at codon 1261 of the LRP5 protein (p.Pro1261Leu). This variant is present in population databases (rs764259701, gnomAD 0.003%). This variant has not been reported in the literature in individuals affected with LRP5-related conditions. ClinVar contains an entry for this variant (Variation ID: 1400363). Invitae Evidence Modeling of protein sequence and biophysical properties (such as structural, functional, and spatial information, amino acid conservation, physicochemical variation, residue mobility, and thermodynamic stability) indicates that this missense variant is not expected to disrupt LRP5 protein function with a negative predictive value of 95%. In summary, the available evidence is currently insufficient to determine the role of this variant in disease. Therefore, it has been classified as a Variant of Uncertain Significance.

Fulgent Genetics
Classification: Uncertain significance for Exudative vitreoretinopathy 1; Worth disease; Osteoporosis; Osteoporosis with pseudoglioma; Exudative vitreoretinopathy 4; Bone mineral density quantitative trait locus 1; Autosomal dominant osteopetrosis 1; Polycystic liver disease 4 with or without kidney cysts. Last evaluated: 2022-03-01. Review status: criteria provided, single submitter. Criteria: ACMG Guidelines, 2015. Collection method: clinical testing. Allele origin: unknown.

Blueprint Genetics
Classification: Uncertain significance. Last evaluated: 2019-07-04. Review status: criteria provided, single submitter. Criteria: ACMG Guidelines, 2015. Collection method: clinical testing. Allele origin: germline.

Institute of Human Genetics, Univ. Regensburg, Univ. Regensburg
Classification: Uncertain significance for Retinal dystrophy. Last evaluated: 2022-01-01. Review status: no assertion criteria provided. Criteria: ACMG Guidelines, 2015. Collection method: clinical testing. Allele origin: germline. Affected: yes. Not counted in ClinVar's aggregate classification.

NM_002335.4(LRP5):c.3782C>T (p.Pro1261Leu)

Gene: LRP5 (LDL receptor related protein 5; plus strand). Cytogenetic location: 11q13.2.
Variant type: single nucleotide variant.
Coding change: c.3782C>T on transcript NM_002335.4 (MANE Select); coding-DNA position 3782, C replaced by T.
Protein change: p.Pro1261Leu; replaces proline 1261 with leucine.
Molecular consequence: missense variant.
Genome position (GRCh38, 1-based): chr11:68,433,620, C>T. VCF-style: chr11-68433620-C-T. GRCh37 (hg19) VCF-style: chr11-68201088-C-T.
Other names: c.2039C>T, p.Pro680Leu (NM_001291902.2); short protein forms P1261L, P680L.
Identifiers: ClinVar variation 1400363 (VCV001400363.9), dbSNP rs764259701, ClinGen allele CA6150116.
Genomic context (GRCh38, chr11:68,433,620, plus strand): 5'-GGGCGGGGCTGCGTGTGATGTTCTCCTCTGTCCCTCCCCCAGAGCCGCCCACCTGCTCCC[C>T]GGACCAGTTTGCATGTGCCACAGGGGAGATCGACTGTATCCCCGGGGCCTGGCGCTGTGA-3'
Protein context (NP_002326.2, residues 1251-1271): LTCGEPPTCS[Pro1261Leu]DQFACATGEI